The following is an entry in ClinVar:

NM_000435.3(NOTCH3):c.1873G>A (p.Ala625Thr)

Gene: NOTCH3 (notch receptor 3; minus strand). Cytogenetic location: 19p13.12.
Variant type: single nucleotide variant.
Coding change: c.1873G>A on transcript NM_000435.3 (MANE Select); coding-DNA position 1873, G replaced by A.
Protein change: p.Ala625Thr; replaces alanine 625 with threonine.
Molecular consequence: missense variant.
Genome position (GRCh38, 1-based): chr19:15,186,956, C>T on the plus strand (G>A on the coding strand, the complement: NOTCH3 is on the minus strand). VCF-style: chr19-15186956-C-T. GRCh37 (hg19) VCF-style: chr19-15297767-C-T.
Other names: p.Ala625Thr; short protein forms A625T.
Identifiers: ClinVar variation 995040 (VCV000995040.6), dbSNP rs747633377, ClinGen allele CA305774678.

ClinVar aggregate classification (germline): Conflicting classifications of pathogenicity. Review status: criteria provided, conflicting classifications (1 of 4 stars). 3 submissions from 3 submitters: Uncertain significance (1); Likely benign (2). Last evaluated 2025-09-05.

Allele frequency attached by ClinVar (database versions not stated): gnomAD exomes below 0.00001 and 0.00005; gnomAD 0.00003 and 0.00004; TOPMed 0.00003.
gnomAD v4.1: 79 of 1,614,096 alleles (0.0049%); highest among the groups gnomAD compares: Non-Finnish European, 0.0063%; no homozygotes.

Submissions (3):

Mayo Clinic Laboratories, Mayo Clinic
Classification: Likely benign. Last evaluated: 2025-09-05. Review status: criteria provided, single submitter. Criteria: ACMG Guidelines, 2015. Collection method: clinical testing. Allele origin: germline. Observed: 2 variant alleles.
Comment: BS2, BP1

Labcorp Genetics (formerly Invitae), Labcorp
Classification: Likely benign. Last evaluated: 2023-11-29. Review status: criteria provided, single submitter. Criteria: Invitae Variant Classification Sherloc (09022015). Collection method: clinical testing. Allele origin: germline.

Athena Diagnostics
Classification: Uncertain significance. Last evaluated: 2023-06-27. Review status: criteria provided, single submitter. Criteria: Athena Diagnostics Criteria. Collection method: clinical testing. Allele origin: unknown.
Comment: Available data are insufficient to determine the clinical significance of the variant at this time. The frequency of this variant in the general population is uninformative in assessment of its pathogenicity. This variant has been seen where an alternate explanation for disease was also identified, suggesting this variant may not cause disease. Computational tools predict that this variant is damaging. Greater than 90% of NOTCH3 pathogenic variants associated with CADASIL involve the gain or loss of a cysteine residue within the epidermal growth factor (EGF)-like repeat domain (PMID: 32457593, 20301673).